The following is an entry in ClinVar:

ClinVar aggregate classification (germline): Uncertain significance (1 of 4 stars; one submission).

Conditions:
Danon disease. Also called: ANTOPOL DISEASE; PSEUDOGLYCOGENOSIS II; GSD IIb; LYSOSOMAL GLYCOGEN STORAGE DISEASE WITHOUT ACID MALTASE DEFICIENCY; Glycogen Storage Disease Type IIb. Identifiers: Orphanet 34587, MedGen C0878677, MONDO:0010281, OMIM 300257.

Submission:

Labcorp Genetics (formerly Invitae), Labcorp
Classification: Uncertain significance for Danon disease. Last evaluated: 2024-03-01. Review status: criteria provided, single submitter. Criteria: Invitae Variant Classification Sherloc (09022015). Collection method: clinical testing. Allele origin: germline.
Comment: This sequence change replaces threonine, which is neutral and polar, with isoleucine, which is neutral and non-polar, at codon 40 of the LAMP2 protein (p.Thr40Ile). This variant is not present in population databases (gnomAD no frequency). This variant has not been reported in the literature in individuals affected with LAMP2-related conditions. Advanced modeling of protein sequence and biophysical properties (such as structural, functional, and spatial information, amino acid conservation, physicochemical variation, residue mobility, and thermodynamic stability) performed at Invitae indicates that this missense variant is not expected to disrupt LAMP2 protein function with a negative predictive value of 80%. In summary, the available evidence is currently insufficient to determine the role of this variant in disease. Therefore, it has been classified as a Variant of Uncertain Significance.

NM_002294.3(LAMP2):c.119C>T (p.Thr40Ile)

Gene: LAMP2 (lysosome associated membrane protein 2; minus strand). Cytogenetic location: Xq24.
Variant type: single nucleotide variant.
Coding change: c.119C>T on transcript NM_002294.3 (MANE Select); coding-DNA position 119, C replaced by T.
Protein change: p.Thr40Ile; replaces threonine 40 with isoleucine.
Molecular consequence: missense variant.
Genome position (GRCh38, 1-based): chrX:120,456,715, G>A on the plus strand (C>T on the coding strand, the complement: LAMP2 is on the minus strand). VCF-style: chrX-120456715-G-A. GRCh37 (hg19) VCF-style: chrX-119590570-G-A.
Other names: c.119C>T, p.Thr40Ile (NM_001122606.1, NM_013995.2); short protein forms T40I.
Identifiers: ClinVar variation 3643846 (VCV003643846.2).